The following is an entry in ClinVar:

NM_006206.6(PDGFRA):c.119A>G (p.Gln40Arg)

Gene: PDGFRA (platelet derived growth factor receptor alpha; plus strand). Cytogenetic location: 4q12.
Variant type: single nucleotide variant.
Coding change: c.119A>G on transcript NM_006206.6 (MANE Select); coding-DNA position 119, A replaced by G.
Protein change: p.Gln40Arg; replaces glutamine 40 with arginine.
Molecular consequence: missense variant.
Genome position (GRCh38, 1-based): chr4:54,261,164, A>G. VCF-style: chr4-54261164-A-G. GRCh37 (hg19) VCF-style: chr4-55127331-A-G.
Other names: c.119A>G, p.Gln40Arg (NM_001347827.2, NM_001347829.2); c.194A>G, p.Gln65Arg (NM_001347828.2); c.158A>G, p.Gln53Arg (NM_001347830.2); short protein forms Q65R, Q40R, Q53R.
Identifiers: ClinVar variation 4772167 (VCV004772167.2).

ClinVar aggregate classification (germline): Uncertain significance. Review status: criteria provided, multiple submitters, no conflicts (2 of 4 stars). 2 submissions from 2 submitters: Uncertain significance (2). Last evaluated 2025-12-26.

Conditions:
Gastrointestinal stromal tumor. Also called: Gastrointestinal stroma tumor; Gastrointestinal stromal tumor, somatic. Identifiers: Orphanet 44890, MedGen C0238198, MeSH D046152, MONDO:0011719, OMIM 606764, HP:0100723.
Hereditary cancer-predisposing syndrome. Also called: Hereditary Cancer Syndrome; Hereditary neoplastic syndrome; Neoplastic Syndromes, Hereditary; Tumor predisposition. Identifiers: Orphanet 140162, MedGen C0027672, MeSH D009386, MONDO:0015356.

gnomAD v4.1: 1 of 1,614,166 alleles (0.000062%); highest among the groups gnomAD compares: Non-Finnish European, 0.000085%; no homozygotes.

Submissions (2):

Ambry Genetics
Classification: Uncertain significance for Hereditary cancer-predisposing syndrome. Last evaluated: 2025-12-26. Review status: criteria provided, single submitter. Criteria: Ambry Variant Classification Scheme 2023. Collection method: clinical testing. Allele origin: germline.
Comment: The p.Q40R variant (also known as c.119A>G), located in coding exon 2 of the PDGFRA gene, results from an A to G substitution at nucleotide position 119. The glutamine at codon 40 is replaced by arginine, an amino acid with highly similar properties. This amino acid position is conserved. In addition, this alteration is predicted to be tolerated by in silico analysis. Based on the available evidence, the clinical significance of this variant remains unclear.

Labcorp Genetics (formerly Invitae), Labcorp
Classification: Uncertain significance for Gastrointestinal stromal tumor. Last evaluated: 2025-04-13. Review status: criteria provided, single submitter. Criteria: Invitae Variant Classification Sherloc (09022015). Collection method: clinical testing. Allele origin: germline.
Comment: This sequence change replaces glutamine, which is neutral and polar, with arginine, which is basic and polar, at codon 40 of the PDGFRA protein (p.Gln40Arg). This variant is present in population databases (rs769214355, gnomAD 0.0009%). This variant has not been reported in the literature in individuals affected with PDGFRA-related conditions. Invitae Evidence Modeling of protein sequence and biophysical properties (such as structural, functional, and spatial information, amino acid conservation, physicochemical variation, residue mobility, and thermodynamic stability) indicates that this missense variant is not expected to disrupt PDGFRA protein function with a negative predictive value of 80%. In summary, the available evidence is currently insufficient to determine the role of this variant in disease. Therefore, it has been classified as a Variant of Uncertain Significance.